The following is an entry in ClinVar:

ClinVar aggregate classification (germline): Uncertain significance. Review status: criteria provided, multiple submitters, no conflicts (2 of 4 stars). 2 submissions from 2 submitters: Uncertain significance (2). Last evaluated 2026-03-19.

Conditions:
CLCN5-related disorder. Also called: CLCN5-related condition.

Submissions (2):

Women's Health and Genetics/Laboratory Corporation of America, LabCorp
Classification: Uncertain significance. Last evaluated: 2026-03-19. Review status: criteria provided, single submitter. Criteria: LabCorp Variant Classification Summary - May 2015. Collection method: clinical testing. Allele origin: germline.
Comment: Variant summary: CLCN5 c.1694A>G (p.Asn565Ser) results in a conservative amino acid change in the encoded protein sequence. Algorithms developed to predict the effect of missense changes on protein structure and function are either unavailable or do not agree on the potential impact of this missense change. The variant was absent in 183036 control chromosomes. The available data on variant occurrences in the general population are insufficient to allow any conclusion about variant significance. c.1694A>G has been observed in individual(s) affected with Dent Disease (Wei_2020). These data do not allow any conclusion about variant significance. To our knowledge, no experimental evidence demonstrating an impact on protein function has been reported. The following publication have been ascertained in the context of this evaluation (PMID: 32725812). No submitters have cited clinical-significance assessments for this variant to ClinVar. Based on the evidence outlined above, the variant was classified as uncertain significance.

3billion
Classification: Uncertain significance for CLCN5-related disorder. Last evaluated: 2025-11-27. Review status: criteria provided, single submitter. Criteria: ACMG Guidelines, 2015. Collection method: clinical testing. Allele origin: germline. Affected: yes.
Comment: The variant is not observed in the gnomAD v4.1.0 dataset. Predicted Consequence/Location: Missense variant In silico tool prediction suggests damaging effect of the variant on gene or gene product [REVEL: 0.73 (>=0.6, sensitivity 0.68 and specificity 0.92)]. The same nucleotide change resulting in the same amino acid change has been previously reported to be associated with CLCN5-related disorder (PMID: 32725812). Therefore, this variant is classified as VUS according to the recommendation of ACMG/AMP guideline.

Literature cited by the submitters: PubMed 32725812 (cited by Women's Health and Genetics/Laboratory Corporation of America, LabCorp and 3billion).

NM_001127898.4(CLCN5):c.1904A>G (p.Asn635Ser)

Genes: CLCN5 (Cl-/H+ antiporter 5; plus strand), LOC126863258 (BRD4-independent group 4 enhancer GRCh37_chrX:49854497-49855696; plus strand). Cytogenetic location: Xp11.23.
Variant type: single nucleotide variant.
Coding change: c.1904A>G on transcript NM_001127898.4 (MANE Select); coding-DNA position 1904, A replaced by G.
Protein change: p.Asn635Ser; replaces asparagine 635 with serine.
Molecular consequence: missense variant. On other transcripts: non-coding transcript variant (1).
Genome position (GRCh38, 1-based): chrX:50,090,275, A>G. VCF-style: chrX-50090275-A-G. GRCh37 (hg19) VCF-style: chrX-49854932-A-G.
Other names: c.1694A>G, p.Asn565Ser (NM_000084.5); c.1904A>G, p.Asn635Ser (NM_001127899.4); c.1754A>G, p.Asn585Ser (NM_001282163.2); c.1916A>G, p.Asn639Ser (NM_001440756.1, NM_001440757.1); short protein forms N565S, N585S, N635S, N639S.
Identifiers: ClinVar variation 4847089 (VCV004847089.2).